The following is an entry in ClinVar:

NM_000090.4(COL3A1):c.3198A>C (p.Glu1066Asp)

Gene: COL3A1 (collagen type III alpha 1 chain; plus strand). Cytogenetic location: 2q32.2.
Variant type: single nucleotide variant.
Coding change: c.3198A>C on transcript NM_000090.4 (MANE Select); coding-DNA position 3198, A replaced by C.
Protein change: p.Glu1066Asp; replaces glutamic acid 1066 with aspartic acid.
Molecular consequence: missense variant.
Genome position (GRCh38, 1-based): chr2:189,006,449, A>C. VCF-style: chr2-189006449-A-C. GRCh37 (hg19) VCF-style: chr2-189871175-A-C.
Other names: short protein forms E1066D.
Identifiers: ClinVar variation 2566669 (VCV002566669.4), dbSNP rs2469158270, ClinGen allele CA349845207.
Genomic context (GRCh38, chr2:189,006,449, plus strand): 5'-TGGTCATCCAGGCCCACCTGGTCCTGTCGGTCCAGCTGGAAAGAGTGGTGACAGAGGAGA[A>C]AGTGTGAGTTCCCAAAAGCAGCATCTGTCTTGTTTGTCTATTTCCTTCAATAAAGACATT-3'
Protein context (NP_000081.2, residues 1056-1076): GPAGKSGDRG[Glu1066Asp]SGPAGPAGAP

ClinVar aggregate classification (germline): Uncertain significance. Review status: criteria provided, multiple submitters, no conflicts (2 of 4 stars). 2 submissions from 2 submitters: Uncertain significance (2). Last evaluated 2024-09-05.

Conditions:
Ehlers-Danlos syndrome, type 4 (EDSVASC). Also called: Ehlers-Danlos syndrome vascular type; Ehlers Danlos syndrome, ecchymotic type; Ehlers Danlos syndrome, arterial type; Ehlers Danlos syndrome, Sack-Barabas type; Ehlers-Danlos Syndrome Type IV. Identifiers: Orphanet 286, MedGen C0268338, MONDO:0017314, OMIM 130050.
Familial thoracic aortic aneurysm and aortic dissection (TAAD). Also called: Thoracic aortic aneurysms and dissections. Identifiers: Orphanet 91387, MedGen C4707243, MONDO:0019625.

Allele frequency attached by ClinVar (database versions not stated): gnomAD exomes below 0.00001.
gnomAD v4.1: 2 of 1,613,992 alleles (0.00012%); highest among the groups gnomAD compares: African/African-American, 0.0027%; no homozygotes.

Submissions (2):

Labcorp Genetics (formerly Invitae), Labcorp
Classification: Uncertain significance for Ehlers-Danlos syndrome, type 4. Last evaluated: 2024-09-05. Review status: criteria provided, single submitter. Criteria: Invitae Variant Classification Sherloc (09022015). Collection method: clinical testing. Allele origin: germline.
Comment: This sequence change replaces glutamic acid, which is acidic and polar, with aspartic acid, which is acidic and polar, at codon 1066 of the COL3A1 protein (p.Glu1066Asp). This variant is not present in population databases (gnomAD no frequency). This variant has not been reported in the literature in individuals affected with COL3A1-related conditions. ClinVar contains an entry for this variant (Variation ID: 2566669). Invitae Evidence Modeling of protein sequence and biophysical properties (such as structural, functional, and spatial information, amino acid conservation, physicochemical variation, residue mobility, and thermodynamic stability) indicates that this missense variant is not expected to disrupt COL3A1 protein function with a negative predictive value of 95%. In summary, the available evidence is currently insufficient to determine the role of this variant in disease. Therefore, it has been classified as a Variant of Uncertain Significance.

Ambry Genetics
Classification: Uncertain significance for Familial thoracic aortic aneurysm and aortic dissection. Last evaluated: 2023-03-29. Review status: criteria provided, single submitter. Criteria: Ambry Variant Classification Scheme 2023. Collection method: clinical testing. Allele origin: germline.
Comment: The p.E1066D variant (also known as c.3198A>C), located in coding exon 43 of the COL3A1 gene, results from an A to C substitution at nucleotide position 3198. The glutamic acid at codon 1066 is replaced by aspartic acid, an amino acid with highly similar properties. This amino acid position is highly conserved in available vertebrate species. In addition, this alteration is predicted to be tolerated by in silico analysis. Since supporting evidence is limited at this time, the clinical significance of this alteration remains unclear.